The following is an entry in ClinVar:

NM_000553.6(WRN):c.1419G>A (p.Met473Ile)

Gene: WRN (WRN RecQ like helicase; plus strand). Cytogenetic location: 8p12.
Variant type: single nucleotide variant.
Coding change: c.1419G>A on transcript NM_000553.6 (MANE Select); coding-DNA position 1419, G replaced by A.
Protein change: p.Met473Ile; replaces methionine 473 with isoleucine.
Molecular consequence: missense variant.
Genome position (GRCh38, 1-based): chr8:31,085,234, G>A. VCF-style: chr8-31085234-G-A. GRCh37 (hg19) VCF-style: chr8-30942750-G-A.
Other names: short protein forms M473I.
Identifiers: ClinVar variation 1719133 (VCV001719133.5), dbSNP rs2535919451, ClinGen allele CA370923896.

ClinVar aggregate classification (germline): Uncertain significance (1 of 4 stars; one submission).

Conditions:
Werner syndrome (WRN). Identifiers: Orphanet 902, MedGen C0043119, MONDO:0010196, OMIM 277700.

Submission:

Labcorp Genetics (formerly Invitae), Labcorp
Classification: Uncertain significance for Werner syndrome. Last evaluated: 2022-09-09. Review status: criteria provided, single submitter. Criteria: Invitae Variant Classification Sherloc (09022015). Collection method: clinical testing. Allele origin: germline.
Comment: In summary, the available evidence is currently insufficient to determine the role of this variant in disease. Therefore, it has been classified as a Variant of Uncertain Significance. Algorithms developed to predict the effect of missense changes on protein structure and function are either unavailable or do not agree on the potential impact of this missense change (SIFT: "Not Available"; PolyPhen-2: "Benign"; Align-GVGD: "Not Available"). This variant has not been reported in the literature in individuals affected with WRN-related conditions. This variant is not present in population databases (gnomAD no frequency). This sequence change replaces methionine, which is neutral and non-polar, with isoleucine, which is neutral and non-polar, at codon 473 of the WRN protein (p.Met473Ile).